The following is an entry in ClinVar:

NM_001267550.2(TTN):c.3381-1G>T

Gene: TTN (titin; minus strand). Cytogenetic location: 2q31.2.
Variant type: single nucleotide variant.
Coding change: c.3381-1G>T on transcript NM_001267550.2 (MANE Select); the canonical splice acceptor site of the intron before coding-DNA position 3381, G replaced by T.
Molecular consequence: splice acceptor variant.
Genome position (GRCh38, 1-based): chr2:178,781,264, C>A on the plus strand (G>T on the coding strand, the complement: TTN is on the minus strand). VCF-style: chr2-178781264-C-A. GRCh37 (hg19) VCF-style: chr2-179645991-C-A.
Other names: c.3243-1G>T (NM_003319.4, NM_133437.4, NM_133432.3); c.3381-1G>T (NM_133378.4, NM_001256850.1, NM_133379.5).
Identifiers: ClinVar variation 2446349 (VCV002446349.1), dbSNP rs763396141, ClinGen allele CA2005563.

ClinVar aggregate classification (germline): Uncertain significance (1 of 4 stars; one submission).

Allele frequency attached by ClinVar (database versions not stated): gnomAD exomes below 0.00001; ExAC 0.00001.
gnomAD v4.1: 1 of 1,613,876 alleles (0.000062%); highest among the groups gnomAD compares: South Asian, 0.0011%; no homozygotes.

Submission:

GeneDx
Classification: Uncertain significance. Last evaluated: 2022-09-27. Review status: criteria provided, single submitter. Criteria: GeneDx Variant Classification Process June 2021. Collection method: clinical testing. Allele origin: germline. Affected: yes.
Comment: Has not been previously published as pathogenic or benign to our knowledge; Not observed at significant frequency in large population cohorts (gnomAD); Canonical splice site variant in a gene or region of a gene for which loss of function is not a well-established mechanism of disease